The following is an entry in ClinVar:

ClinVar aggregate classification (germline): Conflicting classifications of pathogenicity. Review status: criteria provided, conflicting classifications (1 of 4 stars). 2 submissions from 2 submitters: Uncertain significance (1); Likely benign (1). Last evaluated 2023-07-04.

Allele frequency attached by ClinVar (database versions not stated): TOPMed below 0.00001; gnomAD 0.00001; gnomAD exomes 0.00001.
gnomAD v4.1: 10 of 1,529,988 alleles (0.00065%); highest among the groups gnomAD compares: Admixed American, 0.002%; no homozygotes.

Submissions (2):

Labcorp Genetics (formerly Invitae), Labcorp
Classification: Uncertain significance. Last evaluated: 2023-07-04. Review status: criteria provided, single submitter. Criteria: Invitae Variant Classification Sherloc (09022015). Collection method: clinical testing. Allele origin: germline.
Comment: In summary, the available evidence is currently insufficient to determine the role of this variant in disease. Therefore, it has been classified as a Variant of Uncertain Significance. Advanced modeling of protein sequence and biophysical properties (such as structural, functional, and spatial information, amino acid conservation, physicochemical variation, residue mobility, and thermodynamic stability) performed at Invitae indicates that this missense variant is not expected to disrupt PIEZO1 protein function. This variant has not been reported in the literature in individuals affected with PIEZO1-related conditions. This variant is not present in population databases (gnomAD no frequency). This sequence change replaces alanine, which is neutral and non-polar, with valine, which is neutral and non-polar, at codon 404 of the PIEZO1 protein (p.Ala404Val).

ARUP Laboratories, Molecular Genetics and Genomics, ARUP Laboratories
Classification: Likely benign. Last evaluated: 2023-04-14. Review status: criteria provided, single submitter. Criteria: ARUP Molecular Germline Variant Investigation Process 2024. Collection method: clinical testing. Allele origin: germline.

NM_001142864.4(PIEZO1):c.1211C>T (p.Ala404Val)

Genes: HSALR1 (HSP90AB1 associated lncRNA 1; plus strand), PIEZO1 (piezo type mechanosensitive ion channel component 1 (Er blood group); minus strand). Cytogenetic location: 16q24.3.
Variant type: single nucleotide variant.
Coding change: c.1211C>T on transcript NM_001142864.4 (MANE Select); coding-DNA position 1211, C replaced by T.
Protein change: p.Ala404Val; replaces alanine 404 with valine.
Molecular consequence: missense variant.
Genome position (GRCh38, 1-based): chr16:88,736,724, G>A on the plus strand (C>T on the coding strand, the complement: PIEZO1 is on the minus strand). VCF-style: chr16-88736724-G-A. GRCh37 (hg19) VCF-style: chr16-88803132-G-A.
Other names: short protein forms A404V.
Identifiers: ClinVar variation 2920912 (VCV002920912.4), dbSNP rs765206082, ClinGen allele CA286433550.
Genomic context (GRCh38, chr16:88,736,724, plus strand): 5'-TAGCTCTGGTCCATGATGAGGTGGCCCAGGCTGTGGAGCGGAGACGCCTCCCTGGGCTCA[G>A]CCCGCTTGGGCCGCACTGCAGGTGGGGACAGCGGTCAGCTTCGGCAGGTTGATCTGCAGG-3'
Protein context (NP_001136336.2, residues 394-414): VLRRPVRPKR[Ala404Val]EPREASPLHS